The following is an entry in ClinVar:

NM_000494.4(COL17A1):c.2384G>A (p.Arg795Gln)

Gene: COL17A1 (collagen type XVII alpha 1 chain; minus strand). Cytogenetic location: 10q25.1.
Variant type: single nucleotide variant.
Coding change: c.2384G>A on transcript NM_000494.4 (MANE Select); coding-DNA position 2384, G replaced by A.
Protein change: p.Arg795Gln; replaces arginine 795 with glutamine.
Molecular consequence: missense variant.
Genome position (GRCh38, 1-based): chr10:104,045,772, C>T on the plus strand (G>A on the coding strand, the complement: COL17A1 is on the minus strand). VCF-style: chr10-104045772-C-T. GRCh37 (hg19) VCF-style: chr10-105805530-C-T.
Other names: c.2384G>A (NM_000494.3); short protein forms R795Q.
Identifiers: ClinVar variation 2696775 (VCV002696775.4), dbSNP rs187326973, ClinGen allele CA5678508.

ClinVar aggregate classification (germline): Likely benign. Review status: criteria provided, multiple submitters, no conflicts (2 of 4 stars). 2 submissions from 2 submitters: Likely benign (2). Last evaluated 2024-12-04.

Conditions:
COL17A1-related disorder. Also called: COL17A1-related condition.

Allele frequency attached by ClinVar (database versions not stated): TOPMed 0.00014; 1000 Genomes Project 0.00020; ESP Exome Variant Server 0.00023; gnomAD exomes 0.00030; 1000 Genomes Project 30x 0.00031; ExAC 0.00037; gnomAD 0.00037.
gnomAD v4.1: 493 of 1,612,520 alleles (0.031%); highest among the groups gnomAD compares: Non-Finnish European, 0.026%; 1 homozygote.

Submissions (2):

PreventionGenetics, part of Exact Sciences
Classification: Likely benign for COL17A1-related condition. Last evaluated: 2024-12-04. Review status: criteria provided, single submitter. Criteria: ACMG Guidelines, 2015. Collection method: clinical testing. Allele origin: germline.
Comment: This variant is classified as likely benign based on ACMG/AMP sequence variant interpretation guidelines (Richards et al. 2015 PMID: 25741868, with internal and published modifications).

Labcorp Genetics (formerly Invitae), Labcorp
Classification: Likely benign. Last evaluated: 2024-02-07. Review status: criteria provided, single submitter. Criteria: Invitae Variant Classification Sherloc (09022015). Collection method: clinical testing. Allele origin: germline.